The following is an entry in ClinVar:

NM_006734.4(HIVEP2):c.1805A>C (p.Gln602Pro)

Gene: HIVEP2 (HIVEP zinc finger 2; minus strand). Cytogenetic location: 6q24.2.
Variant type: single nucleotide variant.
Coding change: c.1805A>C on transcript NM_006734.4 (MANE Select); coding-DNA position 1805, A replaced by C.
Protein change: p.Gln602Pro; replaces glutamine 602 with proline.
Molecular consequence: missense variant.
Genome position (GRCh38, 1-based): chr6:142,772,934, T>G on the plus strand (A>C on the coding strand, the complement: HIVEP2 is on the minus strand). VCF-style: chr6-142772934-T-G. GRCh37 (hg19) VCF-style: chr6-143094071-T-G.
Other names: short protein forms Q602P.
Identifiers: ClinVar variation 2827601 (VCV002827601.3), dbSNP rs2482845255, ClinGen allele CA365912170.

ClinVar aggregate classification (germline): Uncertain significance (1 of 4 stars; one submission).

Submission:

Labcorp Genetics (formerly Invitae), Labcorp
Classification: Uncertain significance. Last evaluated: 2024-11-13. Review status: criteria provided, single submitter. Criteria: Invitae Variant Classification Sherloc (09022015). Collection method: clinical testing. Allele origin: germline.
Comment: This sequence change replaces glutamine, which is neutral and polar, with proline, which is neutral and non-polar, at codon 602 of the HIVEP2 protein (p.Gln602Pro). This variant is not present in population databases (gnomAD no frequency). This variant has not been reported in the literature in individuals affected with HIVEP2-related conditions. ClinVar contains an entry for this variant (Variation ID: 2827601). Invitae Evidence Modeling of protein sequence and biophysical properties (such as structural, functional, and spatial information, amino acid conservation, physicochemical variation, residue mobility, and thermodynamic stability) indicates that this missense variant is not expected to disrupt HIVEP2 protein function with a negative predictive value of 80%. In summary, the available evidence is currently insufficient to determine the role of this variant in disease. Therefore, it has been classified as a Variant of Uncertain Significance.